The following is an entry in ClinVar:

NM_020631.6(PLEKHG5):c.1073TCA[1] (p.Ile359del)

Gene: PLEKHG5 (pleckstrin homology and RhoGEF domain containing G5; minus strand). Cytogenetic location: 1p36.31.
Variant type: Microsatellite.
Coding change: c.1073TCA[1] on transcript NM_020631.6 (MANE Select); one copy of the 3-base unit TCA starting at c.1073; the reference has two copies in a row; one copy, 3 bases deleted.
Protein change: p.Ile359del; deletes isoleucine 359.
Molecular consequence: inframe deletion. On other transcripts: inframe indel (4).
Genome position (GRCh38, 1-based): chr1:6,472,529-6,472,531, TGA deleted on the plus strand (TCA on the coding strand, the reverse complement: PLEKHG5 is on the minus strand); deleting any 3 consecutive bases within chr1:6,472,529-6,472,535 gives the same sequence; the position shown is the placement nearest the transcript's 3' end. VCF-style (leftmost placement, unchanged base first): chr1-6472528-TTGA-T. GRCh37 (hg19) VCF-style: chr1-6532588-TTGA-T.
Other names: c.1184TCA[1], p.Ile396del (NM_001042663.3, NM_001265592.2); c.1072_1074ATC[1], p.Ile359del (NM_001042664.2, NM_001042665.2, NM_001265594.3); c.1279_1281ATC[1], p.Ile428del (NM_001265593.2); c.1073TCA[1], p.Ile359del (NM_198681.4); short protein forms I396del, I428del, I359del.
Identifiers: ClinVar variation 2054098 (VCV002054098.4), dbSNP rs2523183335, ClinGen allele CA2580611391.
Genomic context (GRCh38, chr1:6,472,528, plus strand): 5'-AGGGCTGTCAGAAAGAGGGGGGCAGGGTGGCCACGGGGACCAGCGCAGCCCCTACTCACG[TTGA>T]TGATCACCCGCAGTTTCCTGATGTAGGAGGCCTCCGTGTGCAGCAGCTCCCACACCGCCT-3'

ClinVar aggregate classification (germline): Uncertain significance (1 of 4 stars; one submission).

Conditions:
Neuronopathy, distal hereditary motor, autosomal recessive 4. Also called: Autosomal recessive lower motor neuron disease with childhood onset; NEUROPATHY, DISTAL HEREDITARY MOTOR, AUTOSOMAL RECESSIVE 4. Identifiers: Orphanet 206580, MedGen C1970211, MONDO:0012608, OMIM 611067.
Charcot-Marie-Tooth disease recessive intermediate C. Also called: CHARCOT-MARIE-TOOTH NEUROPATHY, RECESSIVE INTERMEDIATE C. Identifiers: Orphanet 369867, MedGen C3809309, MONDO:0014154, OMIM 615376.

Submission:

Labcorp Genetics (formerly Invitae), Labcorp
Classification: Uncertain significance for Neuronopathy, distal hereditary motor, autosomal recessive 4; Charcot-Marie-Tooth disease recessive intermediate C. Last evaluated: 2023-08-04. Review status: criteria provided, single submitter. Criteria: Invitae Variant Classification Sherloc (09022015). Collection method: clinical testing. Allele origin: germline.
Comment: This variant, c.1076_1078del, results in the deletion of 1 amino acid(s) of the PLEKHG5 protein (p.Ile359del), but otherwise preserves the integrity of the reading frame. This variant is not present in population databases (gnomAD no frequency). This variant has not been reported in the literature in individuals affected with PLEKHG5-related conditions. Experimental studies and prediction algorithms are not available or were not evaluated, and the functional significance of this variant is currently unknown. In summary, the available evidence is currently insufficient to determine the role of this variant in disease. Therefore, it has been classified as a Variant of Uncertain Significance.